The following is an entry in ClinVar:

NM_001127511.3(APC):c.-132G>T

Gene: APC (APC regulator of Wnt signaling pathway; plus strand). Cytogenetic location: 5q22.2.
Variant type: single nucleotide variant.
Coding change: c.-132G>T on transcript NM_001127511.3; 132 bases upstream of the start codon, G replaced by T.
Molecular consequence: 5 prime UTR variant. On other transcripts: non-coding transcript variant (2).
Genome position (GRCh38, 1-based): chr5:112,707,586, G>T. VCF-style: chr5-112707586-G-T. GRCh37 (hg19) VCF-style: chr5-112043283-G-T.
Other names: c.-315G>T (NM_001354895.2, NM_001407447.1, NM_001407452.1 and 3 more transcripts); c.-132G>T (NM_001354897.2, NM_001354902.2, NM_001407446.1); c.-82G>T (NM_001407448.1, NM_001407450.1, NM_001407457.1 and 1 more transcripts); c.-106G>T (NM_001407453.1); c.-1350G>T (NM_001407470.1, NM_001407472.1).
Identifiers: ClinVar variation 469835 (VCV000469835.21), dbSNP rs182500056, ClinGen allele CA124924948.

ClinVar aggregate classification (germline): Benign/Likely benign. Review status: criteria provided, multiple submitters, no conflicts (2 of 4 stars). 5 submissions from 5 submitters: Benign (3); Likely benign (1). 1 of the submissions does not count toward it. Last evaluated 2026-01-29.

Conditions:
APC-related disorder. Also called: APC-related condition.
Familial adenomatous polyposis 1 (FAP1). Also called: FAMILIAL ADENOMATOUS POLYPOSIS 1, ATTENUATED; POLYPOSIS, ADENOMATOUS INTESTINAL. Identifiers: MedGen C2713442, MONDO:0021056, OMIM 175100. Disease mechanism: loss of function.

Allele frequency attached by ClinVar (database versions not stated): 1000 Genomes Project 0.00419.
gnomAD v4.1: 1,024 of 970,022 alleles (0.11%); highest among the groups gnomAD compares: East Asian, 2.4%; 7 homozygotes.

Submissions (5):

Labcorp Genetics (formerly Invitae), Labcorp
Classification: Benign for Familial adenomatous polyposis 1. Last evaluated: 2026-01-29. Review status: criteria provided, single submitter. Criteria: Invitae Variant Classification Sherloc (09022015). Collection method: clinical testing. Allele origin: germline.

Center for Genomic Medicine, Rigshospitalet, Copenhagen University Hospital
Classification: Benign. Last evaluated: 2025-03-04. Review status: criteria provided, single submitter. Criteria: ACMG Guidelines, 2015. Collection method: clinical testing. Allele origin: germline.

Blueprint Genetics
Classification: Benign. Last evaluated: 2024-10-30. Review status: criteria provided, single submitter. Criteria: ACMG Guidelines, 2015. Collection method: clinical testing. Allele origin: germline.

GeneDx
Classification: Likely benign. Last evaluated: 2017-10-10. Review status: criteria provided, single submitter. Criteria: GeneDx Variant Classification (06012015). Collection method: clinical testing. Allele origin: germline. Affected: yes.
Comment: This variant is considered likely benign or benign based on one or more of the following criteria: it is a conservative change, it occurs at a poorly conserved position in the protein, it is predicted to be benign by multiple in silico algorithms, and/or has population frequency not consistent with disease.

PreventionGenetics, part of Exact Sciences
Classification: Benign for APC-related condition. Last evaluated: 2020-10-15. Review status: no assertion criteria provided. Collection method: clinical testing. Allele origin: germline. Not counted in ClinVar's aggregate classification.
Comment: This variant is classified as benign based on ACMG/AMP sequence variant interpretation guidelines (Richards et al. 2015 PMID: 25741868, with internal and published modifications).